The following is an entry in ClinVar:

NM_138713.4(NFAT5):c.2727A>C (p.Glu909Asp)

Gene: NFAT5 (nuclear factor of activated T cells 5; plus strand). Cytogenetic location: 16q22.1.
Variant type: single nucleotide variant.
Coding change: c.2727A>C on transcript NM_138713.4 (MANE Select); coding-DNA position 2727, A replaced by C.
Protein change: p.Glu909Asp; replaces glutamic acid 909 with aspartic acid.
Molecular consequence: missense variant.
Genome position (GRCh38, 1-based): chr16:69,692,552, A>C. VCF-style: chr16-69692552-A-C. GRCh37 (hg19) VCF-style: chr16-69726455-A-C.
Other names: c.2724A>C, p.Glu908Asp (NM_001113178.3); c.2052A>C, p.Glu684Asp (NM_001367709.1); c.2673A>C, p.Glu891Asp (NM_006599.4); c.2445A>C, p.Glu815Asp (NM_138714.4, NM_173214.3, NM_173215.3); short protein forms E684D, E815D, E891D, E908D, E909D.
Identifiers: ClinVar variation 1003136 (VCV001003136.8), dbSNP rs2037590015, ClinGen allele CA396510661.

ClinVar aggregate classification (germline): Uncertain significance (1 of 4 stars; one submission).

Conditions:
Immunodeficiency. Identifiers: MedGen C0021051, MONDO:0021094, HP:0002721.

Submission:

Labcorp Genetics (formerly Invitae), Labcorp
Classification: Uncertain significance for Immunodeficiency. Last evaluated: 2020-06-30. Review status: criteria provided, single submitter. Criteria: Invitae Variant Classification Sherloc (09022015). Collection method: clinical testing. Allele origin: germline.
Comment: In summary, the available evidence is currently insufficient to determine the role of this variant in disease. Therefore, it has been classified as a Variant of Uncertain Significance. Algorithms developed to predict the effect of missense changes on protein structure and function are either unavailable or do not agree on the potential impact of this missense change (SIFT: "Deleterious"; PolyPhen-2: "Benign"; Align-GVGD: "Class C0"). This variant has not been reported in the literature in individuals with NFAT5-related conditions. This variant is not present in population databases (ExAC no frequency). This sequence change replaces glutamic acid with aspartic acid at codon 815 of the NFAT5 protein (p.Glu815Asp). The glutamic acid residue is moderately conserved and there is a small physicochemical difference between glutamic acid and aspartic acid.